The following is an entry in ClinVar:

NM_000368.5(TSC1):c.1016C>G (p.Thr339Ser)

Gene: TSC1 (TSC complex subunit 1; minus strand). Cytogenetic location: 9q34.13.
Variant type: single nucleotide variant.
Coding change: c.1016C>G on transcript NM_000368.5 (MANE Select); coding-DNA position 1016, C replaced by G.
Protein change: p.Thr339Ser; replaces threonine 339 with serine.
Molecular consequence: missense variant. On other transcripts: 5 prime UTR variant (2), non-coding transcript variant (5).
Genome position (GRCh38, 1-based): chr9:132,911,466, G>C on the plus strand (C>G on the coding strand, the complement: TSC1 is on the minus strand). VCF-style: chr9-132911466-G-C. GRCh37 (hg19) VCF-style: chr9-135786853-G-C.
Other names: c.1016C>G, p.Thr339Ser (NM_001162426.2, NM_001406592.1, NM_001406593.1 and 16 more transcripts); c.863C>G, p.Thr288Ser (NM_001162427.2, NM_001406612.1, NM_001406613.1 and 2 more transcripts); c.653C>G, p.Thr218Ser (NM_001362177.2, NM_001406614.1, NM_001406615.1 and 10 more transcripts); c.65C>G, p.Thr22Ser (NM_001406626.1, NM_001406627.1, NM_001406628.1); c.-78C>G (NM_001406629.1, NM_001406630.1); short protein forms T288S, T22S, T218S, T339S.
Identifiers: ClinVar variation 3329436 (VCV003329436.1).
Genomic context (GRCh38, chr9:132,911,466, plus strand): 5'-TCACCAGAAAGCAGAGGAGAGAGCAGGCACACTAGTTGACACCATACTTGTGGTGGTTCA[G>C]TTATCAGCCGTGTCGATGGGGAACTCAGAGTCTGAGGTAGCTGCCCTGGCATATTTAACA-3'
Protein context (NP_000359.1, residues 329-349): TLSSPSTRLI[Thr339Ser]EPPQATLWSP

ClinVar aggregate classification (germline): Uncertain significance (1 of 4 stars; one submission).

Conditions:
Hereditary cancer-predisposing syndrome. Also called: Neoplastic Syndromes, Hereditary; Tumor predisposition; Hereditary neoplastic syndrome; Hereditary Cancer Syndrome. Identifiers: Orphanet 140162, MedGen C0027672, MeSH D009386, MONDO:0015356.

Submission:

Ambry Genetics
Classification: Uncertain significance for Hereditary cancer-predisposing syndrome. Last evaluated: 2024-05-16. Review status: criteria provided, single submitter. Criteria: Ambry Variant Classification Scheme 2023. Collection method: clinical testing. Allele origin: germline.
Comment: The p.T339S variant (also known as c.1016C>G), located in coding exon 8 of the TSC1 gene, results from a C to G substitution at nucleotide position 1016. The threonine at codon 339 is replaced by serine, an amino acid with similar properties. This amino acid position is conserved. In addition, the in silico prediction for this alteration is inconclusive. Based on the available evidence, the clinical significance of this variant remains unclear.